The following is an entry in ClinVar:

ClinVar aggregate classification (germline): Uncertain significance. Review status: criteria provided, multiple submitters, no conflicts (2 of 4 stars). 2 submissions from 2 submitters: Uncertain significance (2). Last evaluated 2024-06-09.

Conditions:
Vitamin D-dependent rickets, type 1A. Also called: VITAMIN D HYDROXYLATION-DEFICIENT RICKETS, TYPE 1A; PDDR IA; PSEUDOVITAMIN D-DEFICIENCY RICKETS, TYPE IA. Identifiers: MedGen CN283242, MONDO:0020723, OMIM 264700.

Allele frequency attached by ClinVar (database versions not stated): gnomAD exomes below 0.00001.
gnomAD v4.1: 6 of 1,543,760 alleles (0.00039%); highest among the groups gnomAD compares: South Asian, 0.0036%; no homozygotes.

Submissions (2):

Fulgent Genetics
Classification: Uncertain significance for Vitamin D-dependent rickets, type 1A. Last evaluated: 2024-06-09. Review status: criteria provided, single submitter. Criteria: ACMG Guidelines, 2015. Collection method: clinical testing. Allele origin: germline.

ARUP Laboratories, Molecular Genetics and Genomics, ARUP Laboratories
Classification: Uncertain significance for Vitamin D-dependent rickets, type 1A. Last evaluated: 2023-03-01. Review status: criteria provided, single submitter. Criteria: ARUP Molecular Germline Variant Investigation Process 2024. Collection method: clinical testing. Allele origin: germline.
Comment: The CYP27B1 c.221C>T; p.Pro74Leu variant, to our knowledge, is not reported in the medical literature or gene specific databases. This variant is also absent from the Genome Aggregation Database, indicating it is not a common polymorphism. Computational analyses are uncertain whether this variant is neutral or deleterious (REVEL: 0.694). Due to limited information, the clinical significance of this variant is uncertain at this time.

NM_000785.4(CYP27B1):c.221C>T (p.Pro74Leu)

Gene: CYP27B1 (cytochrome P450 family 27 subfamily B member 1; minus strand). Cytogenetic location: 12q14.1.
Variant type: single nucleotide variant.
Coding change: c.221C>T on transcript NM_000785.4 (MANE Select); coding-DNA position 221, C replaced by T.
Protein change: p.Pro74Leu; replaces proline 74 with leucine.
Molecular consequence: missense variant.
Genome position (GRCh38, 1-based): chr12:57,766,172, G>A on the plus strand (C>T on the coding strand, the complement: CYP27B1 is on the minus strand). VCF-style: chr12-57766172-G-A. GRCh37 (hg19) VCF-style: chr12-58159955-G-A.
Other names: short protein forms P74L.
Identifiers: ClinVar variation 2920883 (VCV002920883.2), dbSNP rs2540918369, ClinGen allele CA385509502.